The following is an entry in ClinVar:

ClinVar aggregate classification (germline): Pathogenic (1 of 4 stars; one submission).

Submission:

Labcorp Genetics (formerly Invitae), Labcorp
Classification: Pathogenic. Last evaluated: 2024-12-17. Review status: criteria provided, single submitter. Criteria: Invitae Variant Classification Sherloc (09022015). Collection method: clinical testing. Allele origin: germline.
Comment: This sequence change creates a premature translational stop signal (p.Tyr312*) in the GPAA1 gene. It is expected to result in an absent or disrupted protein product. Loss-of-function variants in GPAA1 are known to be pathogenic (PMID: 29100095). This variant is not present in population databases (gnomAD no frequency). This variant has not been reported in the literature in individuals affected with GPAA1-related conditions. For these reasons, this variant has been classified as Pathogenic.

Literature cited by the submitters: PubMed 29100095.

NM_003801.4(GPAA1):c.936C>G (p.Tyr312Ter)

Gene: GPAA1 (glycosylphosphatidylinositol anchor attachment 1; plus strand). Cytogenetic location: 8q24.3.
Variant type: single nucleotide variant.
Coding change: c.936C>G on transcript NM_003801.4 (MANE Select); coding-DNA position 936, C replaced by G.
Protein change: p.Tyr312Ter; replaces tyrosine 312 with a stop codon.
Molecular consequence: nonsense.
Genome position (GRCh38, 1-based): chr8:144,084,535, C>G. VCF-style: chr8-144084535-C-G. GRCh37 (hg19) VCF-style: chr8-145139438-C-G.
Other names: short protein forms Y312*.
Identifiers: ClinVar variation 3722635 (VCV003722635.2).